The following is an entry in ClinVar:

NM_004608.4(TBX6):c.212C>G (p.Pro71Arg)

Gene: TBX6 (T-box transcription factor 6; minus strand). Cytogenetic location: 16p11.2.
Variant type: single nucleotide variant.
Coding change: c.212C>G on transcript NM_004608.4 (MANE Select); coding-DNA position 212, C replaced by G.
Protein change: p.Pro71Arg; replaces proline 71 with arginine.
Molecular consequence: missense variant.
Genome position (GRCh38, 1-based): chr16:30,090,899, G>C on the plus strand (C>G on the coding strand, the complement: TBX6 is on the minus strand). VCF-style: chr16-30090899-G-C. GRCh37 (hg19) VCF-style: chr16-30102220-G-C.
Other names: c.212C>G (NM_004608.3); short protein forms P71R.
Identifiers: ClinVar variation 2732123 (VCV002732123.4), dbSNP rs1567342910, ClinGen allele CA395521747.
Genomic context (GRCh38, chr16:30,090,899, plus strand): 5'-ACCCCCGGGAGGGAATGGAGGGCCTCTGGAGCTGATGGGGCCGGCTCAGTGCCCATGGCA[G>C]GGGGCAGAAGGGGCAGAGGTGGGTGCGCGGCCAGGGTGCGGGGAGCAGCCTCCATCCCGG-3'
Protein context (NP_004599.2, residues 61-81): AAHPPLPLLP[Pro71Arg]AMGTEPAPSA

ClinVar aggregate classification (germline): Uncertain significance. Review status: criteria provided, multiple submitters, no conflicts (2 of 4 stars). 2 submissions from 2 submitters: Uncertain significance (2). Last evaluated 2024-12-31.

Conditions:
Inborn genetic diseases. Identifiers: MedGen C0950123, MeSH D030342.

Allele frequency attached by ClinVar (database versions not stated): TOPMed 0.00001; gnomAD exomes 0.00002.
gnomAD v4.1: 24 of 1,611,190 alleles (0.0015%); highest among the groups gnomAD compares: Admixed American, 0.005%; no homozygotes.

Submissions (2):

Ambry Genetics
Classification: Uncertain significance for Inborn genetic diseases. Last evaluated: 2024-12-31. Review status: criteria provided, single submitter. Criteria: Ambry Variant Classification Scheme 2023. Collection method: clinical testing. Allele origin: germline.

Labcorp Genetics (formerly Invitae), Labcorp
Classification: Uncertain significance. Last evaluated: 2024-05-15. Review status: criteria provided, single submitter. Criteria: Invitae Variant Classification Sherloc (09022015). Collection method: clinical testing. Allele origin: germline.
Comment: This sequence change replaces proline, which is neutral and non-polar, with arginine, which is basic and polar, at codon 71 of the TBX6 protein (p.Pro71Arg). This variant is present in population databases (no rsID available, gnomAD 0.009%). This variant has not been reported in the literature in individuals affected with TBX6-related conditions. Advanced modeling of protein sequence and biophysical properties (such as structural, functional, and spatial information, amino acid conservation, physicochemical variation, residue mobility, and thermodynamic stability) performed at Invitae indicates that this missense variant is not expected to disrupt TBX6 protein function with a negative predictive value of 80%. In summary, the available evidence is currently insufficient to determine the role of this variant in disease. Therefore, it has been classified as a Variant of Uncertain Significance.